The following is an entry in ClinVar:

NM_000186.4(CFH):c.2195C>T (p.Thr732Met)

Gene: CFH (complement factor H; plus strand). Cytogenetic location: 1q31.3.
Variant type: single nucleotide variant.
Coding change: c.2195C>T on transcript NM_000186.4 (MANE Select); coding-DNA position 2195, C replaced by T.
Protein change: p.Thr732Met; replaces threonine 732 with methionine.
Molecular consequence: missense variant.
Genome position (GRCh38, 1-based): chr1:196,726,899, C>T. VCF-style: chr1-196726899-C-T. GRCh37 (hg19) VCF-style: chr1-196696029-C-T.
Other names: short protein forms T732M.
Identifiers: ClinVar variation 1398643 (VCV001398643.12), dbSNP rs201360629, ClinGen allele CA1305596.

ClinVar aggregate classification (germline): Uncertain significance. Review status: criteria provided, multiple submitters, no conflicts (2 of 4 stars). 7 submissions from 4 submitters: Uncertain significance (7). Last evaluated 2026-01-26.

Conditions:
Basal laminar drusen. Also called: DRUSEN OF BRUCH MEMBRANE; DRUSEN, CUTICULAR; DRUSEN, EARLY ADULT-ONSET, GROUPED. Identifiers: Orphanet 75376, MedGen C0730295, MONDO:0007472, OMIM 126700.
Factor H deficiency (CFHD). Also called: CFH DEFICIENCY; COMPLEMENT FACTOR H DEFICIENCY. Identifiers: Orphanet 200421, MedGen C0398777, MONDO:0012350, OMIM 609814.
Age related macular degeneration 4. Identifiers: MedGen C1853147, MONDO:0012540, OMIM 610698.
Hemolytic uremic syndrome, atypical, susceptibility to, 1. Also called: AHUS, SUSCEPTIBILITY TO, 1. Identifiers: Orphanet 2134, Orphanet 90038, MedGen C2749604, MONDO:0009335, OMIM 235400. Disease mechanism: Other.
Atypical hemolytic-uremic syndrome. Identifiers: Orphanet 2134, MedGen C2931788, MONDO:0016244.

Allele frequency attached by ClinVar (database versions not stated): TOPMed 0.00005; gnomAD 0.00006; gnomAD exomes 0.00007; ExAC 0.00010.
gnomAD v4.1: 135 of 1,613,520 alleles (0.0084%); highest among the groups gnomAD compares: Non-Finnish European, 0.011%; no homozygotes.

Submissions (7):

Labcorp Genetics (formerly Invitae), Labcorp
Classification: Uncertain significance. Last evaluated: 2026-01-26. Review status: criteria provided, single submitter. Criteria: Invitae Variant Classification Sherloc (09022015). Collection method: clinical testing. Allele origin: germline.
Comment: This sequence change replaces threonine, which is neutral and polar, with methionine, which is neutral and non-polar, at codon 732 of the CFH protein (p.Thr732Met). This variant is present in population databases (rs201360629, gnomAD 0.01%). This missense change has been observed in individual(s) with focal segmental glomerulosclerosis, age-related macular degeneration, or atypical hemolytic uremic syndrome (PMID: 22594991, 29686068, 36421183). ClinVar contains an entry for this variant (Variation ID: 1398643). An algorithm developed to predict the effect of missense changes on protein structure and function outputs the following: PolyPhen-2: "Benign". The methionine amino acid residue is found in multiple mammalian species, which suggests that this missense change does not adversely affect protein function. In summary, the available evidence is currently insufficient to determine the role of this variant in disease. Therefore, it has been classified as a Variant of Uncertain Significance.

Genomenon, Inc
Classification: Uncertain significance for Atypical hemolytic-uremic syndrome; Age related macular degeneration 4. Last evaluated: 2025-10-02. Review status: criteria provided, single submitter. Criteria: Genomenon Sequence Variant Interpretation Standards - Updated. Collection method: curation. Allele origin: germline. Affected: yes.
Comment: CFH p.Thr732Met (c.2195C>T) is a missense variant that changes the amino acid at residue 732 from Threonine to Methionine. This variant has been observed in at least one proband affected with a CFH-related disorder (PMID:36421183;29686068). It is absent or not present at a significant frequency in gnomAD. In silico models agree that this variant is not damaging. In conclusion, we classify CFH p.Thr732Met (c.2195C>T) as a variant of uncertain significance.

Fulgent Genetics
Classification: Uncertain significance for Basal laminar drusen; Hemolytic uremic syndrome, atypical, susceptibility to, 1; Factor H deficiency; Age related macular degeneration 4. Last evaluated: 2024-03-14. Review status: criteria provided, single submitter. Criteria: ACMG Guidelines, 2015. Collection method: clinical testing. Allele origin: germline.

Genome-Nilou Lab
Classification: Uncertain significance for Hemolytic uremic syndrome, atypical, susceptibility to, 1. Last evaluated: 2023-04-11. Review status: criteria provided, single submitter. Criteria: ACMG Guidelines, 2015. Collection method: clinical testing. Allele origin: germline. Affected: no.

Genome-Nilou Lab
Classification: Uncertain significance for Age related macular degeneration 4. Last evaluated: 2023-04-11. Review status: criteria provided, single submitter. Criteria: ACMG Guidelines, 2015. Collection method: clinical testing. Allele origin: germline. Affected: no.

Genome-Nilou Lab
Classification: Uncertain significance for Basal laminar drusen. Last evaluated: 2023-04-11. Review status: criteria provided, single submitter. Criteria: ACMG Guidelines, 2015. Collection method: clinical testing. Allele origin: germline. Affected: no.

Genome-Nilou Lab
Classification: Uncertain significance for Factor H deficiency. Last evaluated: 2023-04-11. Review status: criteria provided, single submitter. Criteria: ACMG Guidelines, 2015. Collection method: clinical testing. Allele origin: germline. Affected: no.

Literature cited by the submitters: PubMed 22594991 (cited by Labcorp Genetics (formerly Invitae), Labcorp); PubMed 29686068 (cited by Labcorp Genetics (formerly Invitae), Labcorp and Genomenon, Inc); PubMed 36421183 (cited by Labcorp Genetics (formerly Invitae), Labcorp and Genomenon, Inc).